The following is an entry in ClinVar:

ClinVar aggregate classification (germline): Uncertain significance. Review status: criteria provided, multiple submitters, no conflicts (2 of 4 stars). 3 submissions from 3 submitters: Uncertain significance (3). Last evaluated 2024-11-21.

Conditions:
Bone marrow failure syndrome 3 (BMFS3). Identifiers: MedGen C4310744, MONDO:0014887, OMIM 617052.

Allele frequency attached by ClinVar (database versions not stated): gnomAD 0.00002 and 0.00003; TOPMed 0.00002; gnomAD exomes 0.00003 and 0.00010; ExAC 0.00010; 1000 Genomes Project 30x 0.00016; 1000 Genomes Project 0.00020.

Submissions (3):

Blueprint Genetics
Classification: Uncertain significance. Last evaluated: 2024-11-21. Review status: criteria provided, single submitter. Criteria: ACMG Guidelines, 2015. Collection method: clinical testing. Allele origin: germline.

ARUP Laboratories, Molecular Genetics and Genomics, ARUP Laboratories
Classification: Uncertain significance for Bone marrow failure syndrome 3. Last evaluated: 2024-06-19. Review status: criteria provided, single submitter. Criteria: ARUP Molecular Germline Variant Investigation Process 2024. Collection method: clinical testing. Allele origin: germline.

Labcorp Genetics (formerly Invitae), Labcorp
Classification: Uncertain significance. Last evaluated: 2022-06-27. Review status: criteria provided, single submitter. Criteria: Invitae Variant Classification Sherloc (09022015). Collection method: clinical testing. Allele origin: germline.
Comment: This sequence change replaces arginine, which is basic and polar, with histidine, which is basic and polar, at codon 112 of the DNAJC21 protein (p.Arg112His). This variant is present in population databases (rs191319627, gnomAD 0.1%). This variant has not been reported in the literature in individuals affected with DNAJC21-related conditions. ClinVar contains an entry for this variant (Variation ID: 1021219). Algorithms developed to predict the effect of missense changes on protein structure and function are either unavailable or do not agree on the potential impact of this missense change (SIFT: "Tolerated"; PolyPhen-2: "Probably Damaging"; Align-GVGD: "Class C0"). In summary, the available evidence is currently insufficient to determine the role of this variant in disease. Therefore, it has been classified as a Variant of Uncertain Significance.

NM_001012339.3(DNAJC21):c.335G>A (p.Arg112His)

Gene: DNAJC21 (DnaJ heat shock protein family (Hsp40) member C21; plus strand). Cytogenetic location: 5p13.2.
Variant type: single nucleotide variant.
Coding change: c.335G>A on transcript NM_001012339.3 (MANE Select); coding-DNA position 335, G replaced by A.
Protein change: p.Arg112His; replaces arginine 112 with histidine.
Molecular consequence: missense variant.
Genome position (GRCh38, 1-based): chr5:34,936,163, G>A. VCF-style: chr5-34936163-G-A. GRCh37 (hg19) VCF-style: chr5-34936268-G-A.
Other names: c.335G>A, p.Arg112His (NM_001348420.2, NM_194283.4); short protein forms R112H.
Identifiers: ClinVar variation 1021219 (VCV001021219.8), dbSNP rs191319627, ClinGen allele CA3228422.